The following is an entry in ClinVar:

NM_001267550.2(TTN):c.26544C>T (p.Thr8848=)

Gene: TTN (titin; minus strand). Cytogenetic location: 2q31.2.
Variant type: single nucleotide variant.
Coding change: c.26544C>T on transcript NM_001267550.2 (MANE Select); coding-DNA position 26544, C replaced by T.
Protein change: p.Thr8848=; no amino-acid change (threonine 8848 retained).
Molecular consequence: synonymous variant. On other transcripts: intron variant (3).
Genome position (GRCh38, 1-based): chr2:178,714,114, G>A on the plus strand (C>T on the coding strand, the complement: TTN is on the minus strand). VCF-style: chr2-178714114-G-A. GRCh37 (hg19) VCF-style: chr2-179578841-G-A.
Other names: c.25593C>T, p.Thr8531= (NM_001256850.1); c.22812C>T, p.Thr7604= (NM_133378.4); c.13282+23968C>T (NM_003319.4); c.13858+23968C>T (NM_133437.4); c.13657+23968C>T (NM_133432.3).
Identifiers: ClinVar variation 515458 (VCV000515458.10), dbSNP rs1185075181, ClinGen allele CA430285042.
Genomic context (GRCh38, chr2:178,714,114, plus strand): 5'-TTTTCCATCCTTAAACCACTTAGTACTGAGTTCAGGGGTGCCAGCTACTGTACACTCCAA[G>A]GTACAGGTGTCTCCCGTGGTAACTTTTATGGATTCTGGCTTTTCTACAATTGTTGCAGGC-3'
Protein context (NP_001254479.2, residues 8838-8858): SIKVTTGDTC[Thr8848=]LECTVAGTPE

ClinVar aggregate classification (germline): Likely benign. Review status: criteria provided, multiple submitters, no conflicts (2 of 4 stars). 3 submissions from 3 submitters: Likely benign (3). Last evaluated 2025-06-11.

Conditions:
TTN-related disorder. Also called: TTN-related condition; TTN-related disease; TTN-related disorders.
Autosomal recessive limb-girdle muscular dystrophy type 2J (LGMDR10). Also called: Limb-girdle muscular dystrophy, type 2J; MUSCULAR DYSTROPHY, LIMB-GIRDLE, AUTOSOMAL RECESSIVE 10. Identifiers: Orphanet 140922, MedGen C1837342, MONDO:0012127, OMIM 608807.
Dilated cardiomyopathy 1G (CMD1G). Identifiers: Orphanet 154, MedGen C1858763, MONDO:0011400, OMIM 604145.

Allele frequency attached by ClinVar (database versions not stated): gnomAD exomes below 0.00001; TOPMed below 0.00001.
gnomAD v4.1: 4 of 1,613,626 alleles (0.00025%); highest among the groups gnomAD compares: African/African-American, 0.0027%; no homozygotes.

Submissions (3):

PreventionGenetics, part of Exact Sciences
Classification: Likely benign for TTN-related condition. Last evaluated: 2025-06-11. Review status: criteria provided, single submitter. Criteria: ACMG Guidelines, 2015. Collection method: clinical testing. Allele origin: germline.
Comment: This variant is classified as likely benign based on ACMG/AMP sequence variant interpretation guidelines (Richards et al. 2015 PMID: 25741868, with internal and published modifications).

Labcorp Genetics (formerly Invitae), Labcorp
Classification: Likely benign for Dilated cardiomyopathy 1G; Autosomal recessive limb-girdle muscular dystrophy type 2J. Last evaluated: 2024-12-23. Review status: criteria provided, single submitter. Criteria: Invitae Variant Classification Sherloc (09022015). Collection method: clinical testing. Allele origin: germline.

GeneDx
Classification: Likely benign. Last evaluated: 2018-02-06. Review status: criteria provided, single submitter. Criteria: GeneDx Variant Classification (06012015). Collection method: clinical testing. Allele origin: germline. Affected: yes.
Comment: This variant is considered likely benign or benign based on one or more of the following criteria: it is a conservative change, it occurs at a poorly conserved position in the protein, it is predicted to be benign by multiple in silico algorithms, and/or has population frequency not consistent with disease.